The following is an entry in ClinVar:

NM_005677.4(COLQ):c.235A>G (p.Met79Val)

Gene: COLQ (collagen like tail subunit of asymmetric acetylcholinesterase; minus strand). Cytogenetic location: 3p25.1.
Variant type: single nucleotide variant.
Coding change: c.235A>G on transcript NM_005677.4 (MANE Select); coding-DNA position 235, A replaced by G.
Protein change: p.Met79Val; replaces methionine 79 with valine.
Molecular consequence: missense variant. On other transcripts: intron variant (1).
Genome position (GRCh38, 1-based): chr3:15,488,292, T>C on the plus strand (A>G on the coding strand, the complement: COLQ is on the minus strand). VCF-style: chr3-15488292-T-C. GRCh37 (hg19) VCF-style: chr3-15529799-T-C.
Other names: c.205A>G, p.Met69Val (NM_080538.2); c.219+1233A>G (NM_080539.4); short protein forms M79V, M69V.
Identifiers: ClinVar variation 2090183 (VCV002090183.1), dbSNP rs770561043, ClinGen allele CA2276274.

ClinVar aggregate classification (germline): Uncertain significance (1 of 4 stars; one submission).

Conditions:
Congenital myasthenic syndrome 5. Identifiers: Orphanet 590, MedGen C1864233, MONDO:0011281, OMIM 603034.

Allele frequency attached by ClinVar (database versions not stated): ExAC 0.00002.
gnomAD v4.1: 4 of 1,613,588 alleles (0.00025%); highest among the groups gnomAD compares: African/African-American, 0.0013%; no homozygotes.

Submission:

Labcorp Genetics (formerly Invitae), Labcorp
Classification: Uncertain significance for Congenital myasthenic syndrome 5. Last evaluated: 2022-02-09. Review status: criteria provided, single submitter. Criteria: Invitae Variant Classification Sherloc (09022015). Collection method: clinical testing. Allele origin: germline.
Comment: This sequence change replaces methionine, which is neutral and non-polar, with valine, which is neutral and non-polar, at codon 79 of the COLQ protein (p.Met79Val). This variant is present in population databases (rs770561043, gnomAD 0.003%). This variant has not been reported in the literature in individuals affected with COLQ-related conditions. Algorithms developed to predict the effect of missense changes on protein structure and function output the following: SIFT: "Tolerated"; PolyPhen-2: "Benign"; Align-GVGD: "Class C0". The valine amino acid residue is found in multiple mammalian species, which suggests that this missense change does not adversely affect protein function. In summary, the available evidence is currently insufficient to determine the role of this variant in disease. Therefore, it has been classified as a Variant of Uncertain Significance.